The following is an entry in ClinVar:

NM_001128178.3(NPHP1):c.1396G>C (p.Gly466Arg)

Gene: NPHP1 (nephrocystin 1; minus strand). Cytogenetic location: 2q13.
Variant type: single nucleotide variant.
Coding change: c.1396G>C on transcript NM_001128178.3 (MANE Select); coding-DNA position 1396, G replaced by C.
Protein change: p.Gly466Arg; replaces glycine 466 with arginine.
Molecular consequence: missense variant.
Genome position (GRCh38, 1-based): chr2:110,144,526, C>G on the plus strand (G>C on the coding strand, the complement: NPHP1 is on the minus strand). VCF-style: chr2-110144526-C-G. GRCh37 (hg19) VCF-style: chr2-110902103-C-G.
Other names: c.1564G>C (NM_000272.4); c.1564G>C, p.Gly522Arg (NM_000272.5); c.1207G>C, p.Gly403Arg (NM_001128179.3); c.1393G>C, p.Gly465Arg (NM_001374256.1); c.1396G>C, p.Gly466Arg (NM_001374257.1); c.1561G>C, p.Gly521Arg (NM_207181.4); short protein forms G403R, G465R, G466R, G521R, G522R.
Identifiers: ClinVar variation 3375616 (VCV003375616.3).

ClinVar aggregate classification (germline): Uncertain significance. Review status: criteria provided, multiple submitters, no conflicts (2 of 4 stars). 3 submissions from 3 submitters: Uncertain significance (3). Last evaluated 2025-08-20.

Conditions:
NPHP1-related disorder. Also called: NPHP1-related disorders; NPHP1-related condition.
Nephronophthisis 1 (NPHP1). Also called: Nephronophthisis familial juvenile. Identifiers: Orphanet 655, Orphanet 93592, MedGen C1855681, MONDO:0009728, OMIM 256100.
Senior-Loken syndrome 1 (SLSN1). Also called: JUVENILE NEPHRONOPHTHISIS WITH LEBER AMAUROSIS. Identifiers: Orphanet 3156, MedGen C4551559, MONDO:0009962, OMIM 266900.
Joubert syndrome with renal defect. Also called: JOUBERT SYNDROME 4. Identifiers: Orphanet 220497, MedGen C1846790, MONDO:0012308, OMIM 609583.

Submissions (3):

PreventionGenetics, part of Exact Sciences
Classification: Uncertain significance for NPHP1-related condition. Last evaluated: 2025-08-20. Review status: criteria provided, single submitter. Criteria: ACMG Guidelines, 2015. Collection method: clinical testing. Allele origin: germline.
Comment: The NPHP1 c.1564G>C variant is predicted to result in the amino acid substitution p.Gly522Arg. To our knowledge, this variant has not been reported in the literature or in a large population database (gnomAD), indicating this variant is rare. At this time, the clinical significance of this variant is uncertain due to the absence of conclusive functional and genetic evidence.

GeneDx
Classification: Uncertain significance. Last evaluated: 2024-05-09. Review status: criteria provided, single submitter. Criteria: GeneDx Variant Classification Process June 2021. Collection method: clinical testing. Allele origin: germline. Affected: yes.
Comment: Not observed at significant frequency in large population cohorts (gnomAD); In silico analysis indicates that this missense variant does not alter protein structure/function; Has not been previously published as pathogenic or benign to our knowledge

Fulgent Genetics
Classification: Uncertain significance for Nephronophthisis 1; Senior-Loken syndrome 1; Joubert syndrome with renal defect. Last evaluated: 2024-05-04. Review status: criteria provided, single submitter. Criteria: ACMG Guidelines, 2015. Collection method: clinical testing. Allele origin: germline.